The following is an entry in ClinVar:

NM_014208.3(DSPP):c.1783AGT[1] (p.Ser596del)

Genes: DMP1-AS1 (DMP1 and DSPP antisense RNA 1; minus strand), DSPP (dentin sialophosphoprotein; plus strand). Cytogenetic location: 4q22.1.
Variant type: Microsatellite.
Coding change: c.1783AGT[1] on transcript NM_014208.3 (MANE Select); one copy of the 3-base unit AGT starting at c.1783; the reference has two copies in a row; one copy, 3 bases deleted.
Protein change: p.Ser596del; deletes serine 596.
Molecular consequence: inframe deletion.
Genome position (GRCh38, 1-based): chr4:87,614,448-87,614,450, AGT deleted; deleting any 3 consecutive bases within chr4:87,614,444-87,614,450 gives the same sequence; the position shown is the placement nearest the transcript's 3' end. VCF-style (leftmost placement, unchanged base first): chr4-87614443-ATAG-A. GRCh37 (hg19) VCF-style: chr4-88535595-ATAG-A.
Other names: c.1786_1788delAGT (NM_014208.3); short protein forms S596del.
Identifiers: ClinVar variation 2629367 (VCV002629367.3), dbSNP rs1437344619, ClinGen allele CA553085359.

ClinVar aggregate classification (germline): Conflicting classifications of pathogenicity. Review status: criteria provided, conflicting classifications (1 of 4 stars). 2 submissions from 2 submitters: Uncertain significance (1); Likely benign (1). Last evaluated 2026-06-11.

Conditions:
DSPP-related disorder. Also called: DSPP-related condition.

Submissions (2):

PreventionGenetics, part of Exact Sciences
Classification: Uncertain significance for DSPP-related condition. Last evaluated: 2026-06-11. Review status: criteria provided, single submitter. Criteria: ACMG Guidelines, 2015. Collection method: clinical testing. Allele origin: germline.
Comment: The DSPP c.1786_1788delAGT variant is predicted to result in an in-frame deletion (p.Ser596del). To our knowledge, this variant has not been reported in the literature. This variant is reported in 0.012% of alleles in individuals of Ashkenazi Jewish descent in gnomAD. Although we suspect that this variant may be benign, at this time, the clinical significance of this variant is uncertain due to the absence of conclusive functional and genetic evidence.

Blueprint Genetics
Classification: Likely benign. Last evaluated: 2020-12-20. Review status: criteria provided, single submitter. Criteria: ACMG Guidelines, 2015. Collection method: clinical testing. Allele origin: germline.